The following is an entry in ClinVar:

ClinVar aggregate classification (germline): Conflicting classifications of pathogenicity. Review status: criteria provided, conflicting classifications (1 of 4 stars). 4 submissions from 4 submitters: Uncertain significance (1); Likely benign (3). Last evaluated 2025-09-15.

Conditions:
Hereditary cancer-predisposing syndrome. Also called: Neoplastic Syndromes, Hereditary; Tumor predisposition; Hereditary neoplastic syndrome; Hereditary Cancer Syndrome. Identifiers: Orphanet 140162, MedGen C0027672, MeSH D009386, MONDO:0015356.
Familial cancer of breast. Also called: BREAST CANCER, FAMILIAL; Hereditary breast cancer; hereditary breast carcinoma. Identifiers: Orphanet 227535, MedGen C0346153, MONDO:0016419, OMIM 114480. Disease mechanism: loss of function.
Hereditary cancer. Identifiers: MedGen C1333600.

Submissions (4):

Labcorp Genetics (formerly Invitae), Labcorp
Classification: Likely benign for Familial cancer of breast. Last evaluated: 2025-09-15. Review status: criteria provided, single submitter. Criteria: Invitae Variant Classification Sherloc (09022015). Collection method: clinical testing. Allele origin: germline.

Mendelics
Classification: Likely benign for Hereditary cancer. Last evaluated: 2025-02-26. Review status: criteria provided, single submitter. Criteria: ACMG Guidelines, 2015. Collection method: clinical testing. Allele origin: unknown.
Comment: This variant is considered likely benign or benign based on one or more of the following: it is predicted to be benign by multiple in silico algorithms, and/or has population frequency not consistent with disease, and/or has normal protein function, and/or has lack of segregation with disease, and/or has been detected in co-occurrence with known pathogenic variant, and/or has lack of disease association in case-control studies, and/or is located in a region inconsistent with a known cause of pathogenicity.

Myriad Genetics, Inc.
Classification: Likely benign for Familial cancer of breast. Last evaluated: 2025-01-14. Review status: criteria provided, single submitter. Criteria: Myriad Autosomal Dominant, Autosomal Recessive and X-Linked Classification Criteria (2023). Collection method: clinical testing. Allele origin: unknown.
Comment: This variant is considered likely benign. This variant is intronic and is not expected to impact mRNA splicing.

Color Diagnostics, LLC DBA Color Health
Classification: Uncertain significance for Hereditary cancer-predisposing syndrome. Last evaluated: 2019-04-25. Review status: criteria provided, single submitter. Criteria: ACMG Guidelines, 2015. Collection method: clinical testing. Allele origin: germline.

NM_024675.4(PALB2):c.1685-10T>C

Gene: PALB2 (partner and localizer of BRCA2; minus strand). Cytogenetic location: 16p12.2.
Variant type: single nucleotide variant.
Coding change: c.1685-10T>C on transcript NM_024675.4 (MANE Select); 10 bases into the intron before coding-DNA position 1685, T replaced by C.
Molecular consequence: intron variant.
Genome position (GRCh38, 1-based): chr16:23,630,479, A>G on the plus strand (T>C on the coding strand, the complement: PALB2 is on the minus strand). VCF-style: chr16-23630479-A-G. GRCh37 (hg19) VCF-style: chr16-23641800-A-G.
Identifiers: ClinVar variation 629999 (VCV000629999.15), dbSNP rs1567219034, ClinGen allele CA913188779.